The following is an entry in ClinVar:

ClinVar aggregate classification (germline): Pathogenic (1 of 4 stars; one submission).

Conditions:
Pyruvate carboxylase deficiency. Also called: Pyruvate Carboxylase Deficiency Disease; LEIGH NECROTIZING ENCEPHALOPATHY DUE TO PYRUVATE CARBOXYLASE DEFICIENCY; LEIGH SYNDROME DUE TO PYRUVATE CARBOXYLASE DEFICIENCY; ATAXIA WITH LACTIC ACIDOSIS II; PC DEFICIENCY. Identifiers: Orphanet 3008, MedGen C0034341, MONDO:0009949, OMIM 266150.

Submission:

Labcorp Genetics (formerly Invitae), Labcorp
Classification: Pathogenic for Pyruvate carboxylase deficiency. Last evaluated: 2021-01-21. Review status: criteria provided, single submitter. Criteria: Invitae Variant Classification Sherloc (09022015). Collection method: clinical testing. Allele origin: germline.
Comment: This sequence change creates a premature translational stop signal (p.Glu305*) in the PC gene. It is expected to result in an absent or disrupted protein product. Loss-of-function variants in PC are known to be pathogenic (PMID: 12112657, 19306334). This variant is not present in population databases (ExAC no frequency). This variant has not been reported in the literature in individuals with PC-related conditions. For these reasons, this variant has been classified as Pathogenic.

Literature cited by the submitters: PubMed 12112657; PubMed 19306334.

NM_001040716.2(PC):c.913G>T (p.Glu305Ter)

Gene: PC (pyruvate carboxylase; minus strand). Cytogenetic location: 11q13.2.
Variant type: single nucleotide variant.
Coding change: c.913G>T on transcript NM_001040716.2 (MANE Select); coding-DNA position 913, G replaced by T.
Protein change: p.Glu305Ter; replaces glutamic acid 305 with a stop codon.
Molecular consequence: nonsense.
Genome position (GRCh38, 1-based): chr11:66,868,955, C>A on the plus strand (G>T on the coding strand, the complement: PC is on the minus strand). VCF-style: chr11-66868955-C-A. GRCh37 (hg19) VCF-style: chr11-66636426-C-A.
Other names: c.913G>T, p.Glu305Ter (NM_000920.4, NM_022172.3); short protein forms E305*.
Identifiers: ClinVar variation 1424155 (VCV001424155.6), dbSNP rs1487446205, ClinGen allele CA381500517.
Genomic context (GRCh38, chr11:66,868,955, plus strand): 5'-CCTCGATGAAGTAGTGCTTGCCGTGCCTGTCCACCAGGAACTCCACGGTGCCTGCGTTCT[C>A]GTAGCCCACCTGTGGGGGCGGCCACGTGAGCAGGGGAGGGCACAGGCAGGGCCTGGGCAA-3'